The following is an entry in ClinVar:

NM_024642.5(GALNT12):c.1689A>C (p.Leu563Phe)

Gene: GALNT12 (polypeptide N-acetylgalactosaminyltransferase 12; plus strand). Cytogenetic location: 9q22.33.
Variant type: single nucleotide variant.
Coding change: c.1689A>C on transcript NM_024642.5 (MANE Select); coding-DNA position 1689, A replaced by C.
Protein change: p.Leu563Phe; replaces leucine 563 with phenylalanine.
Molecular consequence: missense variant.
Genome position (GRCh38, 1-based): chr9:98,849,035, A>C. VCF-style: chr9-98849035-A-C. GRCh37 (hg19) VCF-style: chr9-101611317-A-C.
Other names: short protein forms L563F.
Identifiers: ClinVar variation 953191 (VCV000953191.12), dbSNP rs1836487597, ClinGen allele CA374223147.
Genomic context (GRCh38, chr9:98,849,035, plus strand): 5'-GTCCAAGAAATGTGTCCAGGCTGCGAGGAAGGAGTCGAGTGACAGTTTCGTTCCACTCTT[A>C]CGAGACTGCACCAACTCGGATCATCAGAAATGGTTCTTCAAAGAGCGCATGTTATGAAGC-3'
Protein context (NP_078918.3, residues 553-573): KESSDSFVPL[Leu563Phe]RDCTNSDHQK

ClinVar aggregate classification (germline): Uncertain significance. Review status: criteria provided, multiple submitters, no conflicts (2 of 4 stars). 2 submissions from 2 submitters: Uncertain significance (2). Last evaluated 2019-11-01.

Submissions (2):

Ambry Genetics
Classification: Uncertain significance. Last evaluated: 2019-11-01. Review status: criteria provided, single submitter. Criteria: Ambry Variant Classification Scheme 2023. Collection method: clinical testing. Allele origin: germline.
Comment: The p.L563F variant (also known as c.1689A>C), located in coding exon 10 of the GALNT12 gene, results from an A to C substitution at nucleotide position 1689. The leucine at codon 563 is replaced by phenylalanine, an amino acid with highly similar properties. This amino acid position is highly conserved in available vertebrate species. In addition, this alteration is predicted to be tolerated by in silico analysis. Since supporting evidence is limited at this time, the clinical significance of this alteration remains unclear.

Labcorp Genetics (formerly Invitae), Labcorp
Classification: Uncertain significance. Last evaluated: 2019-07-23. Review status: criteria provided, single submitter. Criteria: Invitae Variant Classification Sherloc (09022015). Collection method: clinical testing. Allele origin: germline.
Comment: In summary, the available evidence is currently insufficient to determine the role of this variant in disease. Therefore, it has been classified as a Variant of Uncertain Significance. Algorithms developed to predict the effect of missense changes on protein structure and function are either unavailable or do not agree on the potential impact of this missense change (SIFT: "Tolerated"; PolyPhen-2: "Probably Damaging"; Align-GVGD: "Class C0"). This variant has not been reported in the literature in individuals with GALNT12-related conditions. This variant is not present in population databases (ExAC no frequency). This sequence change replaces leucine with phenylalanine at codon 563 of the GALNT12 protein (p.Leu563Phe). The leucine residue is moderately conserved and there is a small physicochemical difference between leucine and phenylalanine.